The following is an entry in ClinVar:

NM_006766.5(KAT6A):c.524A>T (p.Asn175Ile)

Gene: KAT6A (lysine acetyltransferase 6A; minus strand). Cytogenetic location: 8p11.21.
Variant type: single nucleotide variant.
Coding change: c.524A>T on transcript NM_006766.5 (MANE Select); coding-DNA position 524, A replaced by T.
Protein change: p.Asn175Ile; replaces asparagine 175 with isoleucine.
Molecular consequence: missense variant.
Genome position (GRCh38, 1-based): chr8:42,048,454, T>A on the plus strand (A>T on the coding strand, the complement: KAT6A is on the minus strand). VCF-style: chr8-42048454-T-A. GRCh37 (hg19) VCF-style: chr8-41905972-T-A.
Other names: c.524A>T, p.Asn175Ile (NM_001305878.2); short protein forms N175I.
Identifiers: ClinVar variation 1806562 (VCV001806562.1), dbSNP rs1199696876, ClinGen allele CA371174496.

ClinVar aggregate classification (germline): Uncertain significance (1 of 4 stars; one submission).

Allele frequency attached by ClinVar (database versions not stated): TOPMed below 0.00001.

Submission:

GeneDx
Classification: Uncertain significance. Last evaluated: 2022-06-20. Review status: criteria provided, single submitter. Criteria: GeneDx Variant Classification Process June 2021. Collection method: clinical testing. Allele origin: germline. Affected: yes.
Comment: Not observed at significant frequency in large population cohorts (gnomAD); In silico analysis supports that this missense variant has a deleterious effect on protein structure/function; Has not been previously published as pathogenic or benign to our knowledge